The following is an entry in ClinVar:

NM_024996.7(GFM1):c.1589del (p.Thr530fs)

Gene: GFM1 (G elongation factor mitochondrial 1; plus strand). Cytogenetic location: 3q25.32.
Variant type: Deletion.
Coding change: c.1589del on transcript NM_024996.7 (MANE Select); coding-DNA position 1589, one base deleted (C; older notation c.1589delC).
Protein change: p.Thr530fs; shifts the reading frame from threonine 530.
Molecular consequence: frameshift variant. On other transcripts: non-coding transcript variant (4).
Genome position (GRCh38, 1-based): chr3:158,666,374, C deleted. VCF-style (leftmost placement, unchanged base first): chr3-158666373-AC-A. GRCh37 (hg19) VCF-style: chr3-158384162-AC-A.
Other names: c.1646del, p.Thr549fs (NM_001308164.2); c.1589del, p.Thr530fs (NM_001308166.2); c.1508del, p.Thr503fs (NM_001374355.1); c.1472del, p.Thr491fs (NM_001374356.1); c.1364del, p.Thr455fs (NM_001374357.1); c.1130del, p.Thr377fs (NM_001374358.1); c.1022del, p.Thr341fs (NM_001374359.1, NM_001374360.1); c.905del, p.Thr302fs (NM_001374361.1); short protein forms T530fs, T455fs, T503fs, T549fs, T302fs, T341fs, T491fs, T377fs.
Identifiers: ClinVar variation 2025162 (VCV002025162.4), dbSNP rs2474011745, ClinGen allele CA2580068997.

ClinVar aggregate classification (germline): Pathogenic (1 of 4 stars; one submission).

Submission:

Labcorp Genetics (formerly Invitae), Labcorp
Classification: Pathogenic. Last evaluated: 2022-08-20. Review status: criteria provided, single submitter. Criteria: Invitae Variant Classification Sherloc (09022015). Collection method: clinical testing. Allele origin: germline.
Comment: For these reasons, this variant has been classified as Pathogenic. This variant has not been reported in the literature in individuals affected with GFM1-related conditions. This variant is not present in population databases (gnomAD no frequency). This sequence change creates a premature translational stop signal (p.Thr530Metfs*23) in the GFM1 gene. It is expected to result in an absent or disrupted protein product. Loss-of-function variants in GFM1 are known to be pathogenic (PMID: 16632485, 17160893).

Literature cited by the submitters: PubMed 16632485; PubMed 17160893.